The following is an entry in ClinVar:

NM_001928.4(CFD):c.601C>T (p.Arg201Trp)

Gene: CFD (complement factor D; plus strand). Cytogenetic location: 19p13.3.
Variant type: single nucleotide variant.
Coding change: c.601C>T on transcript NM_001928.4 (MANE Select); coding-DNA position 601, C replaced by T.
Protein change: p.Arg201Trp; replaces arginine 201 with tryptophan.
Molecular consequence: missense variant.
Genome position (GRCh38, 1-based): chr19:861,942, C>T. VCF-style: chr19-861942-C-T. GRCh37 (hg19) VCF-style: chr19-861942-C-T.
Other names: c.622C>T, p.Arg208Trp (NM_001317335.2); short protein forms R201W, R208W.
Identifiers: ClinVar variation 1989026 (VCV001989026.4), dbSNP rs1044618274, ClinGen allele CA303954183.

ClinVar aggregate classification (germline): Uncertain significance. Review status: criteria provided, multiple submitters, no conflicts (2 of 4 stars). 2 submissions from 2 submitters: Uncertain significance (2). Last evaluated 2023-08-08.

Allele frequency attached by ClinVar (database versions not stated): gnomAD 0.00001; gnomAD exomes 0.00001.

Submissions (2):

Ambry Genetics
Classification: Uncertain significance. Last evaluated: 2023-08-08. Review status: criteria provided, single submitter. Criteria: Ambry Variant Classification Scheme 2023. Collection method: clinical testing. Allele origin: germline.

Labcorp Genetics (formerly Invitae), Labcorp
Classification: Uncertain significance. Last evaluated: 2022-02-18. Review status: criteria provided, single submitter. Criteria: Invitae Variant Classification Sherloc (09022015). Collection method: clinical testing. Allele origin: germline.
Comment: Algorithms developed to predict the effect of missense changes on protein structure and function are either unavailable or do not agree on the potential impact of this missense change (SIFT: "Not Available"; PolyPhen-2: "Probably Damaging"; Align-GVGD: "Not Available"). In summary, the available evidence is currently insufficient to determine the role of this variant in disease. Therefore, it has been classified as a Variant of Uncertain Significance. This variant has not been reported in the literature in individuals affected with CFD-related conditions. The frequency data for this variant in the population databases is considered unreliable, as metrics indicate poor data quality at this position in the gnomAD database. This sequence change replaces arginine, which is basic and polar, with tryptophan, which is neutral and slightly polar, at codon 201 of the CFD protein (p.Arg201Trp).